The following is an entry in ClinVar:

ClinVar aggregate classification (germline): Uncertain significance (1 of 4 stars; one submission).

Allele frequency attached by ClinVar (database versions not stated): gnomAD exomes below 0.00001.
gnomAD v4.1: 1 of 1,613,076 alleles (0.000062%); highest among the groups gnomAD compares: African/African-American, 0.0013%; no homozygotes.

Submission:

Labcorp Genetics (formerly Invitae), Labcorp
Classification: Uncertain significance. Last evaluated: 2022-10-14. Review status: criteria provided, single submitter. Criteria: Invitae Variant Classification Sherloc (09022015). Collection method: clinical testing. Allele origin: germline.
Comment: In summary, the available evidence is currently insufficient to determine the role of this variant in disease. Therefore, it has been classified as a Variant of Uncertain Significance. This sequence change replaces proline, which is neutral and non-polar, with leucine, which is neutral and non-polar, at codon 669 of the COL13A1 protein (p.Pro669Leu). This variant is not present in population databases (gnomAD no frequency). This variant has not been reported in the literature in individuals affected with COL13A1-related conditions. Algorithms developed to predict the effect of missense changes on protein structure and function (SIFT, PolyPhen-2, Align-GVGD) all suggest that this variant is likely to be disruptive.

NM_001368882.1(COL13A1):c.2039C>T (p.Pro680Leu)

Gene: COL13A1 (collagen type XIII alpha 1 chain; plus strand). Cytogenetic location: 10q22.1.
Variant type: single nucleotide variant.
Coding change: c.2039C>T on transcript NM_001368882.1 (MANE Select); coding-DNA position 2039, C replaced by T.
Protein change: p.Pro680Leu; replaces proline 680 with leucine.
Molecular consequence: missense variant.
Genome position (GRCh38, 1-based): chr10:69,947,323, C>T. VCF-style: chr10-69947323-C-T. GRCh37 (hg19) VCF-style: chr10-71707079-C-T.
Other names: c.2006C>T, p.Pro669Leu (NM_001130103.2); c.1895C>T, p.Pro632Leu (NM_001320951.2); c.1916C>T, p.Pro639Leu (NM_001368883.1); c.1853C>T, p.Pro618Leu (NM_001368884.1); c.1817C>T, p.Pro606Leu (NM_001368885.1); c.1295C>T, p.Pro432Leu (NM_001368886.1); c.1826C>T, p.Pro609Leu (NM_001368895.1); c.1748C>T, p.Pro583Leu (NM_001368896.1); and 7 more; short protein forms P580L, P583L, P591L, P600L, P618L, P632L, P669L, P432L.
Identifiers: ClinVar variation 1932066 (VCV001932066.5), dbSNP rs2545851015, ClinGen allele CA376934942.